The following is an entry in ClinVar:

ClinVar aggregate classification (germline): Likely benign. Review status: criteria provided, multiple submitters, no conflicts (2 of 4 stars). 4 submissions from 4 submitters: Likely benign (4). Last evaluated 2026-01-15.

Allele frequency attached by ClinVar (database versions not stated): gnomAD exomes 0.00004 and 0.00008; ExAC 0.00008; 1000 Genomes Project 30x 0.00016; 1000 Genomes Project 0.00020; gnomAD 0.00025 and 0.00026; TOPMed 0.00031.
gnomAD v4.1: 101 of 1,610,406 alleles (0.0063%); highest among the groups gnomAD compares: African/African-American, 0.079%; no homozygotes.

Submissions (4):

Labcorp Genetics (formerly Invitae), Labcorp
Classification: Likely benign. Last evaluated: 2026-01-15. Review status: criteria provided, single submitter. Criteria: Invitae Variant Classification Sherloc (09022015). Collection method: clinical testing. Allele origin: germline.

Blueprint Genetics
Classification: Likely benign. Last evaluated: 2024-09-03. Review status: criteria provided, single submitter. Criteria: ACMG Guidelines, 2015. Collection method: clinical testing. Allele origin: germline.

GeneDx
Classification: Likely benign. Last evaluated: 2018-05-21. Review status: criteria provided, single submitter. Criteria: GeneDx Variant Classification (06012015). Collection method: clinical testing. Allele origin: germline. Affected: yes.
Comment: This variant is considered likely benign or benign based on one or more of the following criteria: it is a conservative change, it occurs at a poorly conserved position in the protein, it is predicted to be benign by multiple in silico algorithms, and/or has population frequency not consistent with disease.

Breakthrough Genomics
Classification: Likely benign. Review status: criteria provided, single submitter. Criteria: ACMG Guidelines, 2015. Collection method: not provided. Allele origin: germline. Inheritance: Autosomal recessive inheritance. Affected: yes.

NM_024407.5(NDUFS7):c.54-17G>A

Gene: NDUFS7 (NADH:ubiquinone oxidoreductase core subunit S7; plus strand). Cytogenetic location: 19p13.3.
Variant type: single nucleotide variant.
Coding change: c.54-17G>A on transcript NM_024407.5 (MANE Select); 17 bases into the intron before coding-DNA position 54, G replaced by A.
Molecular consequence: intron variant.
Genome position (GRCh38, 1-based): chr19:1,388,508, G>A. VCF-style: chr19-1388508-G-A. GRCh37 (hg19) VCF-style: chr19-1388507-G-A.
Other names: c.54-17G>A (NM_001363602.2).
Identifiers: ClinVar variation 682529 (VCV000682529.11), dbSNP rs543072293, ClinGen allele CA9043052.
Genomic context (GRCh38, chr19:1,388,508, plus strand): 5'-CAGGACAACAGTGAGTGCGGCTGGGGGAGCTGGAGGGGCCTGGGACAGCCACTGACCCGC[G>A]TTCCATCTCCCGGCAGCTCCAGCGTGGGCCCGGCTGTGCAGGCACGAGGTGTCCATCAGA-3'